The following is an entry in ClinVar:

NM_003619.4(PRSS12):c.2535C>T (p.Ser845=)

Gene: PRSS12 (serine protease 12; minus strand). Cytogenetic location: 4q26.
Variant type: single nucleotide variant.
Coding change: c.2535C>T on transcript NM_003619.4 (MANE Select); coding-DNA position 2535, C replaced by T.
Protein change: p.Ser845=; no amino-acid change (serine 845 retained).
Molecular consequence: synonymous variant.
Genome position (GRCh38, 1-based): chr4:118,282,029, G>A on the plus strand (C>T on the coding strand, the complement: PRSS12 is on the minus strand). VCF-style: chr4-118282029-G-A. GRCh37 (hg19) VCF-style: chr4-119203184-G-A.
Identifiers: ClinVar variation 347391 (VCV000347391.10), dbSNP rs145964630, ClinGen allele CA3055339.

ClinVar aggregate classification (germline): Benign/Likely benign. Review status: criteria provided, multiple submitters, no conflicts (2 of 4 stars). 3 submissions from 3 submitters: Benign (2); Likely benign (1). Last evaluated 2026-06-01.

Conditions:
Intellectual developmental disorder, autosomal recessive 1. Also called: Intellectual disability, autosomal recessive 1; MENTAL RETARDATION, AUTOSOMAL RECESSIVE 1. Identifiers: Orphanet 88616, MedGen C1855304, MONDO:0009580, OMIM 249500.

Allele frequency attached by ClinVar (database versions not stated): TOPMed 0.00079; gnomAD exomes 0.00134 and 0.00036; 1000 Genomes Project 0.00419; gnomAD 0.00078 and 0.00063; ExAC 0.00123; 1000 Genomes Project 30x 0.00359; ESP Exome Variant Server 0.00008.
gnomAD v4.1: 741 of 1,613,226 alleles (0.046%); highest among the groups gnomAD compares: East Asian, 1.3%; 11 homozygotes.

Submissions (3):

CeGaT Center for Human Genetics Tuebingen
Classification: Likely benign. Last evaluated: 2026-06-01. Review status: criteria provided, single submitter. Criteria: CeGaT Center For Human Genetics Tuebingen Variant Classification Criteria Version 2. Collection method: clinical testing. Allele origin: germline. Affected: yes. Observed: 2 variant alleles.
Comment: PRSS12: BP4, BS1

Labcorp Genetics (formerly Invitae), Labcorp
Classification: Benign. Last evaluated: 2018-05-08. Review status: criteria provided, single submitter. Criteria: Invitae Variant Classification Sherloc (09022015). Collection method: clinical testing. Allele origin: germline.

Illumina Laboratory Services, Illumina
Classification: Benign for Intellectual developmental disorder, autosomal recessive 1. Last evaluated: 2018-01-12. Review status: criteria provided, single submitter. Criteria: ICSL Variant Classification Criteria 13 December 2019. Collection method: clinical testing. Allele origin: germline.
Comment: This variant was observed in the ICSL laboratory as part of a predisposition screen in an ostensibly healthy population. It had not been previously curated by ICSL or reported in the Human Gene Mutation Database (HGMD: prior to June 1st, 2018), and was therefore a candidate for classification through an automated scoring system. Utilizing variant allele frequency, disease prevalence and penetrance estimates, and inheritance mode, an automated score was calculated to assess if this variant is too frequent to cause the disease. Based on the score and internal cut-off values, a variant classified as benign is not then subjected to further curation. The score for this variant resulted in a classification of benign for this disease.